The following is an entry in ClinVar:

NM_013266.4(CTNNA3):c.1624G>A (p.Gly542Ser)

Gene: CTNNA3 (catenin alpha 3; minus strand). Cytogenetic location: 10q21.3.
Variant type: single nucleotide variant.
Coding change: c.1624G>A on transcript NM_013266.4 (MANE Select); coding-DNA position 1624, G replaced by A.
Protein change: p.Gly542Ser; replaces glycine 542 with serine.
Molecular consequence: missense variant.
Genome position (GRCh38, 1-based): chr10:66,379,260, C>T on the plus strand (G>A on the coding strand, the complement: CTNNA3 is on the minus strand). VCF-style: chr10-66379260-C-T. GRCh37 (hg19) VCF-style: chr10-68139018-C-T.
Other names: c.1624G>A, p.Gly542Ser (NM_001127384.3); short protein forms G542S.
Identifiers: ClinVar variation 2804633 (VCV002804633.3), dbSNP rs754896598, ClinGen allele CA5519880.

ClinVar aggregate classification (germline): Uncertain significance (1 of 4 stars; one submission).

Conditions:
Arrhythmogenic right ventricular dysplasia 13. Also called: ARRHYTHMOGENIC RIGHT VENTRICULAR CARDIOMYOPATHY 13; Arrhythmogenic right ventricular dysplasia, familial, 13. Identifiers: MedGen C3810138, MONDO:0000908, OMIM 615616.

Allele frequency attached by ClinVar (database versions not stated): gnomAD exomes below 0.00001; ExAC 0.00001.
gnomAD v4.1: 2 of 1,614,142 alleles (0.00012%); highest among the groups gnomAD compares: South Asian, 0.0011%; no homozygotes.

Submission:

Labcorp Genetics (formerly Invitae), Labcorp
Classification: Uncertain significance for Arrhythmogenic right ventricular dysplasia 13. Last evaluated: 2024-09-05. Review status: criteria provided, single submitter. Criteria: Invitae Variant Classification Sherloc (09022015). Collection method: clinical testing. Allele origin: germline.
Comment: This sequence change replaces glycine, which is neutral and non-polar, with serine, which is neutral and polar, at codon 542 of the CTNNA3 protein (p.Gly542Ser). This variant is present in population databases (rs754896598, gnomAD 0.003%). This variant has not been reported in the literature in individuals affected with CTNNA3-related conditions. Invitae Evidence Modeling of protein sequence and biophysical properties (such as structural, functional, and spatial information, amino acid conservation, physicochemical variation, residue mobility, and thermodynamic stability) has been performed for this missense variant. However, the output from this modeling did not meet the statistical confidence thresholds required to predict the impact of this variant on CTNNA3 protein function. In summary, the available evidence is currently insufficient to determine the role of this variant in disease. Therefore, it has been classified as a Variant of Uncertain Significance.